The following is an entry in ClinVar:

ClinVar aggregate classification (germline): Uncertain significance (1 of 4 stars; one submission).

gnomAD v4.1: 18 of 1,609,692 alleles (0.0011%); highest among the groups gnomAD compares: East Asian, 0.0045%; no homozygotes.

Submission:

Labcorp Genetics (formerly Invitae), Labcorp
Classification: Uncertain significance. Last evaluated: 2024-11-12. Review status: criteria provided, single submitter. Criteria: Invitae Variant Classification Sherloc (09022015). Collection method: clinical testing. Allele origin: germline.
Comment: This sequence change replaces arginine, which is basic and polar, with tryptophan, which is neutral and slightly polar, at codon 1127 of the STAG1 protein (p.Arg1127Trp). The frequency data for this variant in the population databases is considered unreliable, as metrics indicate poor data quality at this position in the gnomAD database. This variant has not been reported in the literature in individuals affected with STAG1-related conditions. Invitae Evidence Modeling of protein sequence and biophysical properties (such as structural, functional, and spatial information, amino acid conservation, physicochemical variation, residue mobility, and thermodynamic stability) indicates that this missense variant is not expected to disrupt STAG1 protein function with a negative predictive value of 95%. In summary, the available evidence is currently insufficient to determine the role of this variant in disease. Therefore, it has been classified as a Variant of Uncertain Significance.

NM_005862.3(STAG1):c.3379C>T (p.Arg1127Trp)

Gene: STAG1 (STAG1 cohesin complex component; minus strand). Cytogenetic location: 3q22.3.
Variant type: single nucleotide variant.
Coding change: c.3379C>T on transcript NM_005862.3 (MANE Select); coding-DNA position 3379, C replaced by T.
Protein change: p.Arg1127Trp; replaces arginine 1127 with tryptophan.
Molecular consequence: missense variant.
Genome position (GRCh38, 1-based): chr3:136,343,899, G>A on the plus strand (C>T on the coding strand, the complement: STAG1 is on the minus strand). VCF-style: chr3-136343899-G-A. GRCh37 (hg19) VCF-style: chr3-136062741-G-A.
Other names: short protein forms R1127W.
Identifiers: ClinVar variation 3635795 (VCV003635795.2).